The following is an entry in ClinVar:

NM_021020.5(LZTS1):c.675G>T (p.Met225Ile)

Gene: LZTS1 (leucine zipper tumor suppressor 1; minus strand). Cytogenetic location: 8p21.3.
Variant type: single nucleotide variant.
Coding change: c.675G>T on transcript NM_021020.5 (MANE Select); coding-DNA position 675, G replaced by T.
Protein change: p.Met225Ile; replaces methionine 225 with isoleucine.
Molecular consequence: missense variant.
Genome position (GRCh38, 1-based): chr8:20,253,256, C>A on the plus strand (G>T on the coding strand, the complement: LZTS1 is on the minus strand). VCF-style: chr8-20253256-C-A. GRCh37 (hg19) VCF-style: chr8-20110767-C-A.
Other names: c.675G>T, p.Met225Ile (NM_001362884.2); short protein forms M225I.
Identifiers: ClinVar variation 2989659 (VCV002989659.3), dbSNP rs551762462, ClinGen allele CA173399444.
Genomic context (GRCh38, chr8:20,253,256, plus strand): 5'-TGCCTTGTTCGAGTGGCCCAGCTTGCTACCTCCGTCGGAGAAGGACAGAGCCTTCAGGCT[C>A]ATCATGTTGCTGTCCTGGAGGACGATGCCCTGGGTGATGTTGTGGGCGGAGCCCCCAAAA-3'
Protein context (NP_066300.1, residues 215-235): QGIVLQDSNM[Met225Ile]SLKALSFSDG

ClinVar aggregate classification (germline): Uncertain significance (1 of 4 stars; one submission).

Allele frequency attached by ClinVar (database versions not stated): gnomAD 0.00001.
gnomAD v4.1: 9 of 1,614,012 alleles (0.00056%); highest among the groups gnomAD compares: Non-Finnish European, 0.00068%; no homozygotes.

Submission:

Labcorp Genetics (formerly Invitae), Labcorp
Classification: Uncertain significance. Last evaluated: 2023-08-07. Review status: criteria provided, single submitter. Criteria: Invitae Variant Classification Sherloc (09022015). Collection method: clinical testing. Allele origin: germline.
Comment: In summary, the available evidence is currently insufficient to determine the role of this variant in disease. Therefore, it has been classified as a Variant of Uncertain Significance. Advanced modeling of protein sequence and biophysical properties (such as structural, functional, and spatial information, amino acid conservation, physicochemical variation, residue mobility, and thermodynamic stability) performed at Invitae indicates that this missense variant is not expected to disrupt LZTS1 protein function. This variant has not been reported in the literature in individuals affected with LZTS1-related conditions. This variant is not present in population databases (gnomAD no frequency). This sequence change replaces methionine, which is neutral and non-polar, with isoleucine, which is neutral and non-polar, at codon 225 of the LZTS1 protein (p.Met225Ile).